The following is an entry in ClinVar:

ClinVar aggregate classification (germline): Uncertain significance. Review status: criteria provided, multiple submitters, no conflicts (2 of 4 stars). 2 submissions from 2 submitters: Uncertain significance (2). Last evaluated 2025-04-07.

Conditions:
Inborn genetic diseases. Identifiers: MedGen C0950123, MeSH D030342.

Allele frequency attached by ClinVar (database versions not stated): gnomAD exomes below 0.00001; TOPMed 0.00001.

Submissions (2):

Ambry Genetics
Classification: Uncertain significance for Inborn genetic diseases. Last evaluated: 2025-04-07. Review status: criteria provided, single submitter. Criteria: Ambry Variant Classification Scheme 2023. Collection method: clinical testing. Allele origin: germline.

Labcorp Genetics (formerly Invitae), Labcorp
Classification: Uncertain significance. Last evaluated: 2023-06-11. Review status: criteria provided, single submitter. Criteria: Invitae Variant Classification Sherloc (09022015). Collection method: clinical testing. Allele origin: germline.
Comment: This sequence change replaces valine, which is neutral and non-polar, with alanine, which is neutral and non-polar, at codon 26 of the GABRA2 protein (p.Val26Ala). This variant is not present in population databases (gnomAD no frequency). This variant has not been reported in the literature in individuals affected with GABRA2-related conditions. Algorithms developed to predict the effect of missense changes on protein structure and function output the following: SIFT: "Not Available"; PolyPhen-2: "Benign"; Align-GVGD: "Not Available". The alanine amino acid residue is found in multiple mammalian species, which suggests that this missense change does not adversely affect protein function. In summary, the available evidence is currently insufficient to determine the role of this variant in disease. Therefore, it has been classified as a Variant of Uncertain Significance.

NM_000807.4(GABRA2):c.77T>C (p.Val26Ala)

Gene: GABRA2 (gamma-aminobutyric acid type A receptor subunit alpha2; minus strand). Cytogenetic location: 4p12.
Variant type: single nucleotide variant.
Coding change: c.77T>C on transcript NM_000807.4 (MANE Select); coding-DNA position 77, T replaced by C.
Protein change: p.Val26Ala; replaces valine 26 with alanine.
Molecular consequence: missense variant. On other transcripts: 5 prime UTR variant (4).
Genome position (GRCh38, 1-based): chr4:46,386,184, A>G on the plus strand (T>C on the coding strand, the complement: GABRA2 is on the minus strand). VCF-style: chr4-46386184-A-G. GRCh37 (hg19) VCF-style: chr4-46388201-A-G.
Other names: c.77T>C, p.Val26Ala (NM_001114175.3, NM_001330690.2, NM_001377144.1 and 8 more transcripts); c.-21T>C (NM_001286827.3, NM_001377152.1, NM_001377153.1 and 1 more transcripts); c.77T>C (NM_001114175.1); short protein forms V26A.
Identifiers: ClinVar variation 2791755 (VCV002791755.4), dbSNP rs1213904493, ClinGen allele CA356803160.